The following is an entry in ClinVar:

NM_020754.4(ARHGAP31):c.3667G>T (p.Glu1223Ter)

Gene: ARHGAP31 (Rho GTPase activating protein 31; plus strand). Cytogenetic location: 3q13.33.
Variant type: single nucleotide variant.
Coding change: c.3667G>T on transcript NM_020754.4 (MANE Select); coding-DNA position 3667, G replaced by T.
Protein change: p.Glu1223Ter; replaces glutamic acid 1223 with a stop codon.
Molecular consequence: nonsense.
Genome position (GRCh38, 1-based): chr3:119,415,596, G>T. VCF-style: chr3-119415596-G-T. GRCh37 (hg19) VCF-style: chr3-119134443-G-T.
Other names: short protein forms E1223*.
Identifiers: ClinVar variation 5020751 (VCV005020751.1).
Genomic context (GRCh38, chr3:119,415,596, plus strand): 5'-ATCCCTCCCAAGATTCAGTACACCCAGATCCCACAGCCCCTGCCCTCTCAGAGCTCAGGG[G>T]AGAATGGGGTTCAGCCTCTGGAGAGGAGCCAGGAGGGACCCAGCTCAACCAGTGGGACCA-3'

ClinVar aggregate classification (germline): Uncertain significance (1 of 4 stars; one submission).

Submission:

Dasa
Classification: Uncertain significance. Last evaluated: 2025-12-30. Review status: criteria provided, single submitter. Criteria: DASA Assertion Criteria. Collection method: clinical testing. Allele origin: germline.
Comment: NM_020754.4(ARHGAP31):c.3667G>T (p.Glu1223*) is a nonsense variant in ARHGAP31 predicted to introduce a premature termination codon and is predicted to result in an absent or altered protein product. This variant is absent from population databases. The currently available literature and clinical evidence are not sufficient to establish a definitive association between this variant and the reported condition. Therefore, this variant is classified as a variant of uncertain significance.